The following is an entry in ClinVar:

ClinVar aggregate classification (germline): Uncertain significance (1 of 4 stars; one submission).

Conditions:
Deficiency of steroid 11-beta-monooxygenase (CYP11B1). Also called: P450C11B1 DEFICIENCY; STEROID 11-BETA-HYDROXYLASE DEFICIENCY; ADRENAL HYPERPLASIA, CONGENITAL, DUE TO STEROID 11-BETA-HYDROXYLASE DEFICIENCY; Congenital adrenal hyperplasia due to 11-beta-hydroxylase deficiency; 11-BETA-HYDROXYLASE DEFICIENCY; ADRENAL HYPERPLASIA IV. Identifiers: Orphanet 90795, MedGen C0268292, MONDO:0008729, OMIM 202010. Disease mechanism: loss of function.

Submission:

Department of Paediatric Medicine, Post Graduation Institute of Medical Education and Research
Classification: Uncertain significance for Deficiency of steroid 11-beta-monooxygenase. Last evaluated: 2025-10-01. Review status: criteria provided, single submitter. Criteria: ACMG Guidelines, 2015. Collection method: clinical testing. Allele origin: germline. Inheritance: Autosomal recessive inheritance. Affected: yes. Observed: 1 variant allele, 1 homozygote.
Comment: A Homozygous Synonymous variant c.594A>G in Exon 3 of the CYP11B1 gene that results in the amino acid substitution p.Glu198= was identified. The observed variant is novel in gnomAD exomes and genomes, respectively. The severity of the impact of this variant on the protein is medium, based on the effect of the protein. Based on the above evidence, this variant has been classified as Uncertain Significance according to the ACMG guidelines.

NM_000497.4(CYP11B1):c.594A>G (p.Glu198=)

Genes: CYP11B1 (cytochrome P450 family 11 subfamily B member 1; minus strand), LOC106799833 (CYP11B1 recombination region; plus strand). Cytogenetic location: 8q24.3.
Variant type: single nucleotide variant.
Coding change: c.594A>G on transcript NM_000497.4 (MANE Select); coding-DNA position 594, A replaced by G.
Protein change: p.Glu198=; no amino-acid change (glutamic acid 198 retained).
Molecular consequence: synonymous variant.
Genome position (GRCh38, 1-based): chr8:142,877,024, T>C on the plus strand (A>G on the coding strand, the complement: CYP11B1 is on the minus strand). VCF-style: chr8-142877024-T-C. GRCh37 (hg19) VCF-style: chr8-143958440-T-C.
Other names: c.594A>G, p.Glu198= (NM_001026213.1).
Identifiers: ClinVar variation 4280605 (VCV004280605.1).